The following is an entry in ClinVar:

NM_001429.4(EP300):c.4687C>G (p.Leu1563Val)

Gene: EP300 (EP300 lysine acetyltransferase; plus strand). Cytogenetic location: 22q13.2.
Variant type: single nucleotide variant.
Coding change: c.4687C>G on transcript NM_001429.4 (MANE Select); coding-DNA position 4687, C replaced by G.
Protein change: p.Leu1563Val; replaces leucine 1563 with valine.
Molecular consequence: missense variant.
Genome position (GRCh38, 1-based): chr22:41,173,692, C>G. VCF-style: chr22-41173692-C-G. GRCh37 (hg19) VCF-style: chr22-41569696-C-G.
Other names: c.4687C>G (NM_001429.3); c.4609C>G, p.Leu1537Val (NM_001362843.2); short protein forms L1537V, L1563V.
Identifiers: ClinVar variation 2046539 (VCV002046539.5), dbSNP rs564848230, ClinGen allele CA10253496.
Genomic context (GRCh38, chr22:41,173,692, plus strand): 5'-GGAGACAGCAAAAATGCTAAAAAGAAGAATAATAAGAAAACCAGCAAAAATAAGAGCAGC[C>G]TGAGTAGGGGCAACAAGAAGAAACCCGGGATGCCCAATGTATCTAACGACCTCTCACAGA-3'
Protein context (NP_001420.2, residues 1553-1573): NKKTSKNKSS[Leu1563Val]SRGNKKKPGM

ClinVar aggregate classification (germline): Benign. Review status: criteria provided, single submitter (1 of 4 stars). 2 submissions from 2 submitters: Benign (1). 1 of the submissions does not count toward it. Last evaluated 2024-10-16.

Conditions:
EP300-related disorder. Also called: EP300-related disorders; EP300-related condition.
Rubinstein-Taybi syndrome due to EP300 haploinsufficiency. Also called: EP300-Related Rubinstein-Taybi Syndrome; RUBINSTEIN-TAYBI SYNDROME 2. Identifiers: Orphanet 353284, Orphanet 783, MedGen C3150941, MONDO:0013364, OMIM 613684.

gnomAD v4.1: 7 of 1,614,006 alleles (0.00043%); highest among the groups gnomAD compares: East Asian, 0.013%; no homozygotes.

Submissions (2):

Labcorp Genetics (formerly Invitae), Labcorp
Classification: Benign for Rubinstein-Taybi syndrome due to EP300 haploinsufficiency. Last evaluated: 2024-10-16. Review status: criteria provided, single submitter. Criteria: Invitae Variant Classification Sherloc (09022015). Collection method: clinical testing. Allele origin: germline.

PreventionGenetics, part of Exact Sciences
Classification: Uncertain significance for EP300-related condition. Last evaluated: 2024-05-17. Review status: no assertion criteria provided. Collection method: clinical testing. Allele origin: germline. Not counted in ClinVar's aggregate classification.
Comment: The EP300 c.4687C>G variant is predicted to result in the amino acid substitution p.Leu1563Val. To our knowledge, this variant has not been reported in the literature. This variant is reported in 0.016% of alleles in individuals of East Asian descent in gnomAD. At this time, the clinical significance of this variant is uncertain due to the absence of conclusive functional and genetic evidence.